The following is an entry in ClinVar:

NM_004320.6(ATP2A1):c.2284C>T (p.Arg762Cys)

Gene: ATP2A1 (ATPase sarcoplasmic/endoplasmic reticulum Ca2+ transporting 1; plus strand). Cytogenetic location: 16p11.2.
Variant type: single nucleotide variant.
Coding change: c.2284C>T on transcript NM_004320.6 (MANE Select); coding-DNA position 2284, C replaced by T.
Protein change: p.Arg762Cys; replaces arginine 762 with cysteine.
Molecular consequence: missense variant.
Genome position (GRCh38, 1-based): chr16:28,902,046, C>T. VCF-style: chr16-28902046-C-T. GRCh37 (hg19) VCF-style: chr16-28913367-C-T.
Other names: c.1909C>T, p.Arg637Cys (NM_001286075.2); c.2284C>T, p.Arg762Cys (NM_173201.5); short protein forms R637C, R762C.
Identifiers: ClinVar variation 870133 (VCV000870133.8), dbSNP rs758893778, ClinGen allele CA7987211.

ClinVar aggregate classification (germline): Uncertain significance. Review status: criteria provided, single submitter (1 of 4 stars). 2 submissions from 2 submitters: Uncertain significance (1). 1 of the submissions does not count toward it. Last evaluated 2023-08-14.

Conditions:
Brody myopathy. Also called: BRODY DISEASE. Identifiers: Orphanet 53347, MedGen C1832918, MONDO:0010977, OMIM 601003.

Allele frequency attached by ClinVar (database versions not stated): TOPMed 0.00001.
gnomAD v4.1: 10 of 1,614,212 alleles (0.00062%); highest among the groups gnomAD compares: South Asian, 0.0011%; no homozygotes.

Submissions (2):

Labcorp Genetics (formerly Invitae), Labcorp
Classification: Uncertain significance for Brody myopathy. Last evaluated: 2023-08-14. Review status: criteria provided, single submitter. Criteria: Invitae Variant Classification Sherloc (09022015). Collection method: clinical testing. Allele origin: germline.
Comment: In summary, the available evidence is currently insufficient to determine the role of this variant in disease. Therefore, it has been classified as a Variant of Uncertain Significance. An algorithm developed to predict the effect of missense changes on protein structure and function (PolyPhen-2) suggests that this variant is likely to be disruptive. ClinVar contains an entry for this variant (Variation ID: 870133). This variant has not been reported in the literature in individuals affected with ATP2A1-related conditions. This variant is present in population databases (rs758893778, gnomAD 0.003%). This sequence change replaces arginine, which is basic and polar, with cysteine, which is neutral and slightly polar, at codon 762 of the ATP2A1 protein (p.Arg762Cys).

Inborn Errors of Metabolism, Hospital Clinic, IDIBAPS, CIBERER
Classification: Likely pathogenic for Brody myopathy. Last evaluated: 2020-04-17. Review status: no assertion criteria provided. Collection method: research. Allele origin: germline. Inheritance: Autosomal recessive inheritance. Affected: yes. Observed: 1 compound heterozygote. Not counted in ClinVar's aggregate classification.
Comment: The c.2284C>T variant has been detected in trans with a mutation previously reported to be associated to Brody Myopathy. In addition, this variant is predicted to be probably damaging with the in silico algorithms Polyphen-2 and SIFT.